The following is an entry in ClinVar:

NM_000465.4(BARD1):c.389A>C (p.Lys130Thr)

Gene: BARD1 (BRCA1 associated RING domain 1; minus strand). Cytogenetic location: 2q35.
Variant type: single nucleotide variant.
Coding change: c.389A>C on transcript NM_000465.4 (MANE Select); coding-DNA position 389, A replaced by C.
Protein change: p.Lys130Thr; replaces lysine 130 with threonine.
Molecular consequence: missense variant. On other transcripts: non-coding transcript variant (2), intron variant (3).
Genome position (GRCh38, 1-based): chr2:214,781,485, T>G on the plus strand (A>C on the coding strand, the complement: BARD1 is on the minus strand). VCF-style: chr2-214781485-T-G. GRCh37 (hg19) VCF-style: chr2-215646209-T-G.
Other names: c.332A>C, p.Lys111Thr (NM_001282543.2); c.158+27927A>C (NM_001282548.2); c.215+15576A>C (NM_001282545.2); c.364+10812A>C (NM_001282549.2); short protein forms K130T, K111T.
Identifiers: ClinVar variation 482789 (VCV000482789.21), dbSNP rs1174079177, ClinGen allele CA350458201.

ClinVar aggregate classification (germline): Conflicting classifications of pathogenicity. Review status: criteria provided, conflicting classifications (1 of 4 stars). 5 submissions from 5 submitters: Uncertain significance (3); Likely benign (2). Last evaluated 2025-10-19.

Conditions:
Familial cancer of breast. Also called: BREAST CANCER, FAMILIAL; Hereditary breast cancer; hereditary breast carcinoma. Identifiers: Orphanet 227535, MedGen C0346153, MONDO:0016419, OMIM 114480. Disease mechanism: loss of function.
Hereditary cancer-predisposing syndrome. Also called: Neoplastic Syndromes, Hereditary; Tumor predisposition; Hereditary Cancer Syndrome; Hereditary neoplastic syndrome. Identifiers: Orphanet 140162, MedGen C0027672, MeSH D009386, MONDO:0015356.

Allele frequency attached by ClinVar (database versions not stated): gnomAD exomes below 0.00001; TOPMed 0.00001.
gnomAD v4.1: 1 of 1,611,638 alleles (0.000062%); highest among the groups gnomAD compares: Non-Finnish European, 0.000085%; no homozygotes.

Submissions (5):

Labcorp Genetics (formerly Invitae), Labcorp
Classification: Uncertain significance for Familial cancer of breast. Last evaluated: 2025-10-19. Review status: criteria provided, single submitter. Criteria: Invitae Variant Classification Sherloc (09022015). Collection method: clinical testing. Allele origin: germline.
Comment: This sequence change replaces lysine, which is basic and polar, with threonine, which is neutral and polar, at codon 130 of the BARD1 protein (p.Lys130Thr). This variant is not present in population databases (gnomAD no frequency). This variant has not been reported in the literature in individuals affected with BARD1-related conditions. ClinVar contains an entry for this variant (Variation ID: 482789). An algorithm developed to predict the effect of missense changes on protein structure and function outputs the following: PolyPhen-2: "Benign". The threonine amino acid residue is found in multiple mammalian species, which suggests that this missense change does not adversely affect protein function. In summary, the available evidence is currently insufficient to determine the role of this variant in disease. Therefore, it has been classified as a Variant of Uncertain Significance.

Hereditary Cancer Laboratory, Hospital Universitario 12 de Octubre
Classification: Uncertain significance for Hereditary cancer-predisposing syndrome. Last evaluated: 2025-04-15. Review status: criteria provided, single submitter. Criteria: ACMG Guidelines, 2015. Collection method: clinical testing. Allele origin: germline.
Comment: PM2+BP4

Color Diagnostics, LLC DBA Color Health
Classification: Likely benign for Hereditary cancer-predisposing syndrome. Last evaluated: 2024-09-19. Review status: criteria provided, single submitter. Criteria: ACMG Guidelines, 2015. Collection method: clinical testing. Allele origin: germline.

Women's Health and Genetics/Laboratory Corporation of America, LabCorp
Classification: Uncertain significance. Last evaluated: 2022-05-30. Review status: criteria provided, single submitter. Criteria: LabCorp Variant Classification Summary - May 2015. Collection method: clinical testing. Allele origin: germline.

Ambry Genetics
Classification: Likely benign for Hereditary cancer-predisposing syndrome. Last evaluated: 2016-06-03. Review status: criteria provided, single submitter. Criteria: Ambry Variant Classification Scheme 2023. Collection method: clinical testing. Allele origin: germline.